The following is an entry in ClinVar:

NM_001395413.1(POR):c.1434C>G (p.Tyr478Ter)

Gene: POR (cytochrome p450 oxidoreductase; plus strand). Cytogenetic location: 7q11.23.
Variant type: single nucleotide variant.
Coding change: c.1434C>G on transcript NM_001395413.1 (MANE Select); coding-DNA position 1434, C replaced by G.
Protein change: p.Tyr478Ter; replaces tyrosine 478 with a stop codon.
Molecular consequence: nonsense.
Genome position (GRCh38, 1-based): chr7:75,985,623, C>G. VCF-style: chr7-75985623-C-G. GRCh37 (hg19) VCF-style: chr7-75614941-C-G.
Other names: c.1443C>G, p.Tyr481Ter (NM_000941.2, NM_000941.3); c.1434C>G, p.Tyr478Ter (NM_001367562.3, NM_001382657.2, NM_001382658.3 and 1 more transcripts); c.1488C>G, p.Tyr496Ter (NM_001382655.3); c.1284C>G, p.Tyr428Ter (NM_001382662.3); short protein forms Y496*, Y428*, Y478*, Y481*.
Identifiers: ClinVar variation 2917471 (VCV002917471.4), dbSNP rs373613946, ClinGen allele CA367749975.

ClinVar aggregate classification (germline): Pathogenic/Likely pathogenic. Review status: criteria provided, multiple submitters, no conflicts (2 of 4 stars). 2 submissions from 2 submitters: Pathogenic (1); Likely pathogenic (1). Last evaluated 2024-05-06.

Conditions:
POR-related disorder. Also called: POR-related condition.
Congenital adrenal hyperplasia due to cytochrome P450 oxidoreductase deficiency. Also called: DISORDERED STEROIDOGENESIS DUE TO POR DEFICIENCY. Identifiers: Orphanet 95699, MedGen C1860042, MONDO:0013310, OMIM 613571.

Allele frequency attached by ClinVar (database versions not stated): ESP Exome Variant Server 0.00008.
gnomAD v4.1: 7 of 1,588,300 alleles (0.00044%); highest among the groups gnomAD compares: African/African-American, 0.0013%; no homozygotes.

Submissions (2):

Labcorp Genetics (formerly Invitae), Labcorp
Classification: Pathogenic for Congenital adrenal hyperplasia due to cytochrome P450 oxidoreductase deficiency. Last evaluated: 2024-05-06. Review status: criteria provided, single submitter. Criteria: Invitae Variant Classification Sherloc (09022015). Collection method: clinical testing. Allele origin: germline.
Comment: This sequence change creates a premature translational stop signal (p.Tyr481*) in the POR gene. It is expected to result in an absent or disrupted protein product. Loss-of-function variants in POR are known to be pathogenic (PMID: 14758361, 20732302, 21741353). The frequency data for this variant in the population databases is considered unreliable, as metrics indicate poor data quality at this position in the gnomAD database. This premature translational stop signal has been observed in individual(s) with clinical features of Antley-Bixler syndrome (PMID: 31837199). For these reasons, this variant has been classified as Pathogenic.

Blueprint Genetics
Classification: Likely pathogenic for POR-related disorders. Last evaluated: 2022-01-17. Review status: criteria provided, single submitter. Criteria: ACMG Guidelines, 2015. Collection method: clinical testing. Allele origin: germline. Affected: yes. Observed: 1 variant allele.

Literature cited by the submitters: PubMed 14758361 (cited by Labcorp Genetics (formerly Invitae), Labcorp); PubMed 20732302 (cited by Labcorp Genetics (formerly Invitae), Labcorp); PubMed 21741353 (cited by Labcorp Genetics (formerly Invitae), Labcorp); PubMed 31837199 (cited by Labcorp Genetics (formerly Invitae), Labcorp).